The following is an entry in ClinVar:

NM_006662.3(SRCAP):c.7722CTC[1] (p.Ser2576del)

Gene: SRCAP (Snf2 related CREBBP activator protein; plus strand). Cytogenetic location: 16p11.2.
Variant type: Microsatellite.
Coding change: c.7722CTC[1] on transcript NM_006662.3 (MANE Select); one copy of the 3-base unit CTC starting at c.7722; the reference has two copies in a row; one copy, 3 bases deleted; also written c.7725_7727del.
Protein change: p.Ser2576del; deletes serine 2576.
Molecular consequence: inframe deletion.
Genome position (GRCh38, 1-based): chr16:30,737,765-30,737,767, CTC deleted; deleting any 3 consecutive bases within chr16:30,737,761-30,737,767 gives the same sequence; the position shown is the placement nearest the transcript's 3' end. VCF-style (leftmost placement, unchanged base first): chr16-30737760-ACCT-A. GRCh37 (hg19) VCF-style: chr16-30749081-ACCT-A.
Other names: c.7725_7727del (NM_006662.3); short protein forms S2576del.
Identifiers: ClinVar variation 212301 (VCV000212301.35), dbSNP rs797046007, ClinGen allele CA206916.

ClinVar aggregate classification (germline): Uncertain significance. Review status: criteria provided, multiple submitters, no conflicts (2 of 4 stars). 4 submissions from 4 submitters: Uncertain significance (4). Last evaluated 2025-07-27.

Conditions:
Developmental delay, hypotonia, musculoskeletal defects, and behavioral abnormalities. Identifiers: MedGen C5562012, MONDO:0859202, OMIM 619595.
Floating-Harbor syndrome (FLHS). Also called: Short stature with delayed bone age, expressive language delay, a triangular face with a prominent nose and deep-set eyes; Pelletier-Leisti syndrome; SRCAP-Related Floating-Harbor Syndrome. Identifiers: Orphanet 2044, MedGen C0729582, MONDO:0007621, OMIM 136140.

Submissions (4):

Labcorp Genetics (formerly Invitae), Labcorp
Classification: Uncertain significance. Last evaluated: 2025-07-27. Review status: criteria provided, single submitter. Criteria: Invitae Variant Classification Sherloc (09022015). Collection method: clinical testing. Allele origin: germline.
Comment: This variant, c.7725_7727del, results in the deletion of 1 amino acid(s) of the SRCAP protein (p.Ser2576del), but otherwise preserves the integrity of the reading frame. This variant is present in population databases (rs771347898, gnomAD 0.004%). This variant has not been reported in the literature in individuals affected with SRCAP-related conditions. ClinVar contains an entry for this variant (Variation ID: 212301). Experimental studies and prediction algorithms are not available or were not evaluated, and the functional significance of this variant is currently unknown. In summary, the available evidence is currently insufficient to determine the role of this variant in disease. Therefore, it has been classified as a Variant of Uncertain Significance.

CeGaT Center for Human Genetics Tuebingen
Classification: Uncertain significance. Last evaluated: 2023-09-01. Review status: criteria provided, single submitter. Criteria: CeGaT Center For Human Genetics Tuebingen Variant Classification Criteria Version 2. Collection method: clinical testing. Allele origin: germline. Affected: yes. Observed: 1 variant allele.
Comment: SRCAP: PM4:Supporting

Fulgent Genetics
Classification: Uncertain significance for Floating-Harbor syndrome; Developmental delay, hypotonia, musculoskeletal defects, and behavioral abnormalities. Last evaluated: 2022-02-12. Review status: criteria provided, single submitter. Criteria: ACMG Guidelines, 2015. Collection method: clinical testing. Allele origin: unknown.

Genetic Services Laboratory, University of Chicago
Classification: Uncertain significance. Last evaluated: 2013-11-15. Review status: criteria provided, single submitter. Criteria: ACMG Guidelines, 2007. Collection method: clinical testing. Allele origin: germline.